The following is an entry in ClinVar:

ClinVar aggregate classification (germline): Pathogenic (1 of 4 stars; one submission).

Conditions:
Fanconi anemia (FA). Also called: Fanconi's anemia. Identifiers: Orphanet 84, MedGen C0015625, MeSH D005199, MONDO:0019391.

Submission:

Labcorp Genetics (formerly Invitae), Labcorp
Classification: Pathogenic for Fanconi anemia. Last evaluated: 2021-02-27. Review status: criteria provided, single submitter. Criteria: Invitae Variant Classification Sherloc (09022015). Collection method: clinical testing. Allele origin: germline.
Comment: This sequence change creates a premature translational stop signal (p.Leu1082Alafs*33) in the FANCA gene. It is expected to result in an absent or disrupted protein product. Loss-of-function variants in FANCA are known to be pathogenic (PMID: 19367192). This variant is not present in population databases (ExAC no frequency). This variant has not been reported in the literature in individuals with FANCA-related conditions. For these reasons, this variant has been classified as Pathogenic.

Literature cited by the submitters: PubMed 19367192.

NM_000135.4(FANCA):c.3244_3250del (p.Leu1082fs)

Gene: FANCA (FA complementation group A; minus strand). Cytogenetic location: 16q24.3.
Variant type: Deletion.
Coding change: c.3244_3250del on transcript NM_000135.4 (MANE Select); coding-DNA positions 3244 to 3250, 7 bases deleted (CTCCTCC; older notation c.3244_3250delCTCCTCC).
Protein change: p.Leu1082fs; shifts the reading frame from leucine 1082.
Molecular consequence: frameshift variant.
Genome position (GRCh38, 1-based): chr16:89,748,757-89,748,763, GGAGGAG deleted on the plus strand (CTCCTCC on the coding strand, the reverse complement: FANCA is on the minus strand); deleting any 7 consecutive bases within chr16:89,748,757-89,748,764 gives the same sequence; the c. name uses the placement nearest the transcript's 3' end. VCF-style (leftmost placement, unchanged base first): chr16-89748756-CGGAGGAG-C. GRCh37 (hg19) VCF-style: chr16-89815164-CGGAGGAG-C.
Other names: c.3244_3250del, p.Leu1082fs (NM_001286167.3); short protein forms L1082fs.
Identifiers: ClinVar variation 1458922 (VCV001458922.6), dbSNP rs2143128346, ClinGen allele CA2573152909.